The following is an entry in ClinVar:

NM_001371928.1(AHDC1):c.1090C>T (p.Arg364Cys)

Gene: AHDC1 (AT-hook DNA binding motif containing 1; minus strand). Cytogenetic location: 1p36.11.
Variant type: single nucleotide variant.
Coding change: c.1090C>T on transcript NM_001371928.1 (MANE Select); coding-DNA position 1090, C replaced by T.
Protein change: p.Arg364Cys; replaces arginine 364 with cysteine.
Molecular consequence: missense variant.
Genome position (GRCh38, 1-based): chr1:27,551,026, G>A on the plus strand (C>T on the coding strand, the complement: AHDC1 is on the minus strand). VCF-style: chr1-27551026-G-A. GRCh37 (hg19) VCF-style: chr1-27877537-G-A.
Other names: c.1090C>T, p.Arg364Cys (NM_001029882.3); c.1090C>T (NM_001029882.2); short protein forms R364C.
Identifiers: ClinVar variation 1337350 (VCV001337350.12), dbSNP rs746067316, ClinGen allele CA716025.
Genomic context (GRCh38, chr1:27,551,026, plus strand): 5'-AGGCGTACTTGGGGTGACCCTCAGGCCCGGGGGGGCCGTGCGGTGAGCACAAGTCCAGGC[G>A]CAAGGGCTCGGCCAGTGGGCAGTGCCCCAGGGGCTGCTGGGGCTCCAGACGGCGACCTGG-3'
Protein context (NP_001358857.1, residues 354-374): LGHCPLAEPL[Arg364Cys]LDLCSPHGPP

ClinVar aggregate classification (germline): Likely benign. Review status: criteria provided, multiple submitters, no conflicts (2 of 4 stars). 3 submissions from 3 submitters: Likely benign (3). Last evaluated 2024-09-02.

Conditions:
Inborn genetic diseases. Identifiers: MedGen C0950123, MeSH D030342.

Allele frequency attached by ClinVar (database versions not stated): gnomAD 0.00001; gnomAD exomes 0.00001 and 0.00003; TOPMed 0.00002; ExAC 0.00004.
gnomAD v4.1: 20 of 1,558,968 alleles (0.0013%); highest among the groups gnomAD compares: Non-Finnish European, 0.0014%; no homozygotes.

Submissions (3):

Ambry Genetics
Classification: Likely benign for Inborn genetic diseases. Last evaluated: 2024-09-02. Review status: criteria provided, single submitter. Criteria: Ambry Variant Classification Scheme 2023. Collection method: clinical testing. Allele origin: germline.

Labcorp Genetics (formerly Invitae), Labcorp
Classification: Likely benign. Last evaluated: 2023-01-16. Review status: criteria provided, single submitter. Criteria: Invitae Variant Classification Sherloc (09022015). Collection method: clinical testing. Allele origin: germline.

Genetic Services Laboratory, University of Chicago
Classification: Likely benign. Last evaluated: 2020-03-02. Review status: criteria provided, single submitter. Criteria: ACMG Guidelines, 2015. Collection method: clinical testing. Allele origin: germline. Affected: no.
Comment: DNA sequence analysis of the AHDC1 gene demonstrated a sequence change, c.1090C>T, in exon 6 that results in an amino acid change, p.Arg364Cys. This sequence change does not appear to have been previously described in patients with AHDC1-related disorders and has been described in the gnomAD database with a low population frequency of 0.016% in Ashkenazi Jewish subpopulation (dbSNP rs746067316). The p.Arg364Cys change affects a moderately conserved amino acid residue located in a domain of the AHDC1 protein that is not known to be functional. In-silico pathogenicity prediction tools (SIFT, PolyPhen2, Align GVGD, REVEL) provide contradictory results for the p.Arg364Cys substitution. Heterozygous loss of function pathogenic variants in the AHDC1 gene have been associated with a neurodevelopmental disorder called as Xia√¢‚Ç¨¬êGibbs syndrome (XGS). The presence of this sequence change in the absence of a disease phenotype is indicative of this sequence change being a likely benign sequence change